The following is an entry in ClinVar:

NM_000553.6(WRN):c.889A>G (p.Arg297Gly)

Gene: WRN (WRN RecQ like helicase; plus strand). Cytogenetic location: 8p12.
Variant type: single nucleotide variant.
Coding change: c.889A>G on transcript NM_000553.6 (MANE Select); coding-DNA position 889, A replaced by G.
Protein change: p.Arg297Gly; replaces arginine 297 with glycine.
Molecular consequence: missense variant.
Genome position (GRCh38, 1-based): chr8:31,080,916, A>G. VCF-style: chr8-31080916-A-G. GRCh37 (hg19) VCF-style: chr8-30938432-A-G.
Other names: short protein forms R297G.
Identifiers: ClinVar variation 2846182 (VCV002846182.3), dbSNP rs2535909635, ClinGen allele CA370919756.

ClinVar aggregate classification (germline): Uncertain significance (1 of 4 stars; one submission).

Conditions:
Werner syndrome (WRN). Identifiers: Orphanet 902, MedGen C0043119, MONDO:0010196, OMIM 277700.

Submission:

Labcorp Genetics (formerly Invitae), Labcorp
Classification: Uncertain significance for Werner syndrome. Last evaluated: 2023-07-06. Review status: criteria provided, single submitter. Criteria: Invitae Variant Classification Sherloc (09022015). Collection method: clinical testing. Allele origin: germline.
Comment: In summary, the available evidence is currently insufficient to determine the role of this variant in disease. Therefore, it has been classified as a Variant of Uncertain Significance. An algorithm developed to predict the effect of missense changes on protein structure and function (PolyPhen-2) suggests that this variant is likely to be tolerated. This variant has not been reported in the literature in individuals affected with WRN-related conditions. This variant is not present in population databases (gnomAD no frequency). This sequence change replaces arginine, which is basic and polar, with glycine, which is neutral and non-polar, at codon 297 of the WRN protein (p.Arg297Gly).